The following is an entry in ClinVar:

NM_000142.5(FGFR3):c.853A>G (p.Ile285Val)

Gene: FGFR3 (fibroblast growth factor receptor 3; plus strand). Cytogenetic location: 4p16.3.
Variant type: single nucleotide variant.
Coding change: c.853A>G on transcript NM_000142.5 (MANE Select); coding-DNA position 853, A replaced by G.
Protein change: p.Ile285Val; replaces isoleucine 285 with valine.
Molecular consequence: missense variant. On other transcripts: non-coding transcript variant (1).
Genome position (GRCh38, 1-based): chr4:1,801,948, A>G. VCF-style: chr4-1801948-A-G. GRCh37 (hg19) VCF-style: chr4-1803675-A-G.
Other names: c.853A>G, p.Ile285Val (NM_001163213.2, NM_001354809.2, NM_001354810.2 and 1 more transcripts); short protein forms I285V.
Identifiers: ClinVar variation 1680038 (VCV001680038.9), dbSNP rs765988008, ClinGen allele CA2809996.
Genomic context (GRCh38, chr4:1,801,948, plus strand): 5'-GCGGTGCTGGGCAGCGACGTGGAGTTCCACTGCAAGGTGTACAGTGACGCACAGCCCCAC[A>G]TCCAGTGGCTCAAGCACGTGGAGGTGAATGGCAGCAAGGTGGGCCCGGACGGCACACCCT-3'
Protein context (NP_000133.1, residues 275-295): CKVYSDAQPH[Ile285Val]QWLKHVEVNG

ClinVar aggregate classification (germline): Uncertain significance. Review status: criteria provided, multiple submitters, no conflicts (2 of 4 stars). 2 submissions from 2 submitters: Uncertain significance (2). Last evaluated 2025-11-10.

Allele frequency attached by ClinVar (database versions not stated): ExAC 0.00001; gnomAD exomes 0.00002; TOPMed 0.00002; gnomAD 0.00003.
gnomAD v4.1: 50 of 1,612,690 alleles (0.0031%); highest among the groups gnomAD compares: Admixed American, 0.0067%; no homozygotes.

Submissions (2):

Women's Health and Genetics/Laboratory Corporation of America, LabCorp
Classification: Uncertain significance. Last evaluated: 2025-11-10. Review status: criteria provided, single submitter. Criteria: LabCorp Variant Classification Summary - May 2015. Collection method: clinical testing. Allele origin: germline.
Comment: Variant summary: FGFR3 c.853A>G (p.Ile285Val) results in a conservative amino acid change in the encoded protein sequence. Algorithms developed to predict the effect of missense changes on protein structure and function are either unavailable or do not agree on the potential impact of this missense change. The variant allele was found at a frequency of 2.4e-05 in 249452 control chromosomes. The available data on variant occurrences in the general population are insufficient to allow any conclusion about variant significance. To our knowledge, no occurrence of c.853A>G in individuals affected with FGFR3-related conditions and no experimental evidence demonstrating its impact on protein function have been reported. ClinVar contains an entry for this variant (Variation ID: 1680038). Based on the evidence outlined above, the variant was classified as uncertain significance.

Labcorp Genetics (formerly Invitae), Labcorp
Classification: Uncertain significance. Last evaluated: 2025-04-11. Review status: criteria provided, single submitter. Criteria: Invitae Variant Classification Sherloc (09022015). Collection method: clinical testing. Allele origin: germline.
Comment: This sequence change replaces isoleucine, which is neutral and non-polar, with valine, which is neutral and non-polar, at codon 285 of the FGFR3 protein (p.Ile285Val). This variant is present in population databases (rs765988008, gnomAD 0.006%). This variant has not been reported in the literature in individuals affected with FGFR3-related conditions. ClinVar contains an entry for this variant (Variation ID: 1680038). Invitae Evidence Modeling of protein sequence and biophysical properties (such as structural, functional, and spatial information, amino acid conservation, physicochemical variation, residue mobility, and thermodynamic stability) has been performed for this missense variant. However, the output from this modeling did not meet the statistical confidence thresholds required to predict the impact of this variant on FGFR3 protein function. In summary, the available evidence is currently insufficient to determine the role of this variant in disease. Therefore, it has been classified as a Variant of Uncertain Significance.